The following is an entry in ClinVar:

NM_001114753.3(ENG):c.524-1G>T

Gene: ENG (endoglin; minus strand). Cytogenetic location: 9q34.11.
Variant type: single nucleotide variant.
Coding change: c.524-1G>T on transcript NM_001114753.3 (MANE Select); the canonical splice acceptor site of the intron before coding-DNA position 524, G replaced by T.
Molecular consequence: splice acceptor variant.
Genome position (GRCh38, 1-based): chr9:127,825,861, C>A on the plus strand (G>T on the coding strand, the complement: ENG is on the minus strand). VCF-style: chr9-127825861-C-A. GRCh37 (hg19) VCF-style: chr9-130588140-C-A.
Other names: c.524-1G>T (NM_000118.4, NM_001406715.1); c.-23-1G>T (NM_001278138.2).
Identifiers: ClinVar variation 1746304 (VCV001746304.2), dbSNP rs2131889572, ClinGen allele CA374983811.
Genomic context (GRCh38, chr9:127,825,861, plus strand): 5'-CGAGCGTGCGGCCCATGTCCTGGCTGGCTTCCAGCATGCAGAAGGACAGTGACCCCTGGG[C>A]TGCAGAGACACGCGCACCTCAGTCCCTTCCCTCAGCAGCCCTGCACCTAACAGAGCCCCG-3'

ClinVar aggregate classification (germline): Pathogenic (1 of 4 stars; one submission).

Conditions:
Cardiovascular phenotype. Identifiers: MedGen CN230736.

Submission:

Ambry Genetics
Classification: Pathogenic for Cardiovascular phenotype. Last evaluated: 2021-02-04. Review status: criteria provided, single submitter. Criteria: Ambry Variant Classification Scheme 2023. Collection method: clinical testing. Allele origin: germline.
Comment: The c.524-1G>T intronic pathogenic mutation results from a G to T substitution one nucleotide upstream from coding exon 5 of the ENG gene. This mutation has been reported in a patient with a definite diagnosis of hereditary hemorrhagic telangiectasia (HHT) (McDonald J et al. Clin Genet, 2011 Apr;79:335-44). In addition, another alteration impacting the same acceptor site (c.524-2A>G) has been described in multiple individuals with HHT (Gallione CJ et al. Hum Mutat, 1998;11:286-94; Gedge F et al. J Mol Diagn, 2007 Apr;9:258-65). In silico splice site analysis predicts that this alteration will weaken the native splice acceptor site and may result in the creation or strengthening of a novel splice acceptor site. In addition to the clinical data presented in the literature, alterations that disrupt the canonical splice site are expected to cause aberrant splicing, resulting in an abnormal protein or a transcript that is subject to nonsense-mediated mRNA decay. As such, this alteration is classified as a disease-causing mutation.

Literature cited by the submitters: PubMed 17384219; PubMed 21158752; PubMed 9554745.